The following is an entry in ClinVar:

NM_021930.6(RINT1):c.2315T>G (p.Leu772Arg)

Genes: EFCAB10 (EF-hand calcium binding domain 10; minus strand), RINT1 (RAD50 interactor 1; plus strand). Cytogenetic location: 7q22.3.
Variant type: single nucleotide variant.
Coding change: c.2315T>G on transcript NM_021930.6 (MANE Select); coding-DNA position 2315, T replaced by G.
Protein change: p.Leu772Arg; replaces leucine 772 with arginine.
Molecular consequence: missense variant. On other transcripts: 3 prime UTR variant (2), non-coding transcript variant (1), intron variant (3).
Genome position (GRCh38, 1-based): chr7:105,567,247, T>G. VCF-style: chr7-105567247-T-G. GRCh37 (hg19) VCF-style: chr7-105207694-T-G.
Other names: c.*207A>C (NM_001355527.2, NM_001355529.2); c.2081T>G, p.Leu694Arg (NM_001346599.2); c.1292T>G, p.Leu431Arg (NM_001346600.2, NM_001346603.2); c.1391T>G, p.Leu464Arg (NM_001346601.2); c.360-1800A>C (NM_001355531.2); c.383+220A>C (NM_001355526.2, NM_001355530.2); short protein forms L431R, L464R, L694R, L772R.
Identifiers: ClinVar variation 3227646 (VCV003227646.1), dbSNP rs2485203467, ClinGen allele CA368815621.

ClinVar aggregate classification (germline): Uncertain significance (1 of 4 stars; one submission).

Submission:

Ambry Genetics
Classification: Uncertain significance. Last evaluated: 2023-11-14. Review status: criteria provided, single submitter. Criteria: Ambry Variant Classification Scheme 2023. Collection method: clinical testing. Allele origin: germline.
Comment: The p.L772R variant (also known as c.2315T>G), located in coding exon 15 of the RINT1 gene, results from a T to G substitution at nucleotide position 2315. The leucine at codon 772 is replaced by arginine, an amino acid with dissimilar properties. This amino acid position is conserved. In addition, this alteration is predicted to be deleterious by in silico analysis. Since supporting evidence is limited at this time, the clinical significance of this alteration remains unclear.